The following is an entry in ClinVar:

NM_004006.3(DMD):c.3727C>A (p.Leu1243Ile)

Gene: DMD (dystrophin; minus strand). Cytogenetic location: Xp21.1.
Variant type: single nucleotide variant.
Coding change: c.3727C>A on transcript NM_004006.3 (MANE Select); coding-DNA position 3727, C replaced by A.
Protein change: p.Leu1243Ile; replaces leucine 1243 with isoleucine.
Molecular consequence: missense variant.
Genome position (GRCh38, 1-based): chrX:32,448,515, G>T on the plus strand (C>A on the coding strand, the complement: DMD is on the minus strand). VCF-style: chrX-32448515-G-T. GRCh37 (hg19) VCF-style: chrX-32466632-G-T.
Other names: c.3703C>A, p.Leu1235Ile (NM_000109.4); c.3715C>A, p.Leu1239Ile (NM_004009.3); c.3358C>A, p.Leu1120Ile (NM_004010.3); short protein forms L1239I, L1120I, L1235I, L1243I.
Identifiers: ClinVar variation 2957216 (VCV002957216.4), dbSNP rs374715206, ClinGen allele CA412661872.

ClinVar aggregate classification (germline): Uncertain significance. Review status: criteria provided, multiple submitters, no conflicts (2 of 4 stars). 2 submissions from 2 submitters: Uncertain significance (2). Last evaluated 2026-07-23.

Conditions:
Duchenne muscular dystrophy (DMD). Also called: Duchenne Muscular Dystrophy (DMD); MUSCULAR DYSTROPHY, PSEUDOHYPERTROPHIC PROGRESSIVE, DUCHENNE TYPE. Identifiers: Orphanet 98896, MedGen C0013264, MONDO:0010679, OMIM 310200.
Cardiovascular phenotype. Identifiers: MedGen CN230736.

Submissions (2):

Ambry Genetics
Classification: Uncertain significance for Cardiovascular phenotype. Last evaluated: 2026-07-23. Review status: criteria provided, single submitter. Criteria: Ambry Variant Classification Scheme 2023. Collection method: clinical testing. Allele origin: germline.

Labcorp Genetics (formerly Invitae), Labcorp
Classification: Uncertain significance for Duchenne muscular dystrophy. Last evaluated: 2024-07-03. Review status: criteria provided, single submitter. Criteria: Invitae Variant Classification Sherloc (09022015). Collection method: clinical testing. Allele origin: germline.
Comment: This sequence change replaces leucine, which is neutral and non-polar, with isoleucine, which is neutral and non-polar, at codon 1243 of the DMD protein (p.Leu1243Ile). This variant is not present in population databases (gnomAD no frequency). This variant has not been reported in the literature in individuals affected with DMD-related conditions. Advanced modeling of protein sequence and biophysical properties (such as structural, functional, and spatial information, amino acid conservation, physicochemical variation, residue mobility, and thermodynamic stability) performed at Invitae indicates that this missense variant is not expected to disrupt DMD protein function with a negative predictive value of 95%. In summary, the available evidence is currently insufficient to determine the role of this variant in disease. Therefore, it has been classified as a Variant of Uncertain Significance.